The following is an entry in ClinVar:

NM_001754.5(RUNX1):c.176G>A (p.Gly59Asp)

Gene: RUNX1 (RUNX family transcription factor 1; minus strand). Cytogenetic location: 21q22.12.
Variant type: single nucleotide variant.
Coding change: c.176G>A on transcript NM_001754.5 (MANE Select); coding-DNA position 176, G replaced by A.
Protein change: p.Gly59Asp; replaces glycine 59 with aspartic acid.
Molecular consequence: missense variant.
Genome position (GRCh38, 1-based): chr21:34,887,018, C>T on the plus strand (G>A on the coding strand, the complement: RUNX1 is on the minus strand). VCF-style: chr21-34887018-C-T. GRCh37 (hg19) VCF-style: chr21-36259315-C-T.
Other names: c.95G>A, p.Gly32Asp (NM_001001890.3, NM_001122607.2); short protein forms G59D, G32D.
Identifiers: ClinVar variation 4158227 (VCV004158227.1).

ClinVar aggregate classification (germline): Uncertain significance (1 of 4 stars; one submission).

Conditions:
Inborn genetic diseases. Identifiers: MedGen C0950123, MeSH D030342.

gnomAD v4.1: 1 of 1,602,076 alleles (0.000062%); highest among the groups gnomAD compares: Non-Finnish European, 0.000085%; no homozygotes.

Submission:

Ambry Genetics
Classification: Uncertain significance for Inborn genetic diseases. Last evaluated: 2025-08-29. Review status: criteria provided, single submitter. Criteria: Ambry Variant Classification Scheme 2023. Collection method: clinical testing. Allele origin: germline.
Comment: The p.G59D variant (also known as c.176G>A), located in coding exon 3 of the RUNX1 gene, results from a G to A substitution at nucleotide position 176. The glycine at codon 59 is replaced by aspartic acid, an amino acid with similar properties. This amino acid position is conserved. In addition, the in silico prediction for this alteration is inconclusive. Based on the available evidence, the clinical significance of this variant remains unclear.